The following is an entry in ClinVar:

ClinVar aggregate classification (germline): Uncertain significance (1 of 4 stars; one submission).

Conditions:
Developmental and epileptic encephalopathy, 12 (DEE12). Identifiers: MedGen C3150988, MONDO:0013389, OMIM 613722.

Allele frequency attached by ClinVar (database versions not stated): gnomAD exomes below 0.00001 and 0.00001; ExAC 0.00002.
gnomAD v4.1: 5 of 1,613,544 alleles (0.00031%); highest among the groups gnomAD compares: South Asian, 0.0055%; no homozygotes.

Submission:

Labcorp Genetics (formerly Invitae), Labcorp
Classification: Uncertain significance for Developmental and epileptic encephalopathy, 12. Last evaluated: 2021-09-17. Review status: criteria provided, single submitter. Criteria: Invitae Variant Classification Sherloc (09022015). Collection method: clinical testing. Allele origin: germline.
Comment: This sequence change replaces lysine with arginine at codon 681 of the PLCB1 protein (p.Lys681Arg). The lysine residue is moderately conserved and there is a small physicochemical difference between lysine and arginine. This variant is present in population databases (rs776660417, ExAC 0.02%). This variant has not been reported in the literature in individuals affected with PLCB1-related conditions. Algorithms developed to predict the effect of missense changes on protein structure and function are either unavailable or do not agree on the potential impact of this missense change (SIFT: "Tolerated"; PolyPhen-2: "Probably Damaging"; Align-GVGD: "Class C0"). Algorithms developed to predict the effect of sequence changes on RNA splicing suggest that this variant may disrupt the consensus splice site. In summary, the available evidence is currently insufficient to determine the role of this variant in disease. Therefore, it has been classified as a Variant of Uncertain Significance.

NM_015192.4(PLCB1):c.2042A>G (p.Lys681Arg)

Gene: PLCB1 (phospholipase C beta 1; plus strand). Cytogenetic location: 20p12.3.
Variant type: single nucleotide variant.
Coding change: c.2042A>G on transcript NM_015192.4 (MANE Select); coding-DNA position 2042, A replaced by G.
Protein change: p.Lys681Arg; replaces lysine 681 with arginine.
Molecular consequence: missense variant.
Genome position (GRCh38, 1-based): chr20:8,733,391, A>G. VCF-style: chr20-8733391-A-G. GRCh37 (hg19) VCF-style: chr20-8714038-A-G.
Other names: c.2042A>G, p.Lys681Arg (NM_182734.3); short protein forms K681R.
Identifiers: ClinVar variation 1519696 (VCV001519696.3), dbSNP rs776660417, ClinGen allele CA9760126.